The following is an entry in ClinVar:

NM_006231.4(POLE):c.4232_4234dup (p.Ile1411_Asn1412insIle)

Gene: POLE (DNA polymerase epsilon, catalytic subunit; minus strand). Cytogenetic location: 12q24.33.
Variant type: Duplication.
Coding change: c.4232_4234dup on transcript NM_006231.4 (MANE Select); coding-DNA positions 4232 to 4234, 3 bases duplicated (TCA; older notation c.4232_4234dupTCA).
Protein change: p.Ile1411_Asn1412insIle.
Molecular consequence: inframe insertion.
Genome position (GRCh38, 1-based): chr12:132,643,893-132,643,895, TGA duplicated on the plus strand (TCA on the coding strand, the reverse complement: POLE is on the minus strand); duplicating any 3 consecutive bases within chr12:132,643,893-132,643,897 gives the same sequence; the c. name uses the placement nearest the transcript's 3' end. VCF-style (leftmost placement, unchanged base first): chr12-132643892-T-TTGA. GRCh37 (hg19) VCF-style: chr12-133220478-T-TTGA.
Identifiers: ClinVar variation 4671469 (VCV004671469.1).

ClinVar aggregate classification (germline): Uncertain significance (1 of 4 stars; one submission).

Conditions:
Hereditary cancer-predisposing syndrome. Also called: Neoplastic Syndromes, Hereditary; Tumor predisposition; Hereditary Cancer Syndrome; Hereditary neoplastic syndrome. Identifiers: Orphanet 140162, MedGen C0027672, MeSH D009386, MONDO:0015356.

Submission:

Ambry Genetics
Classification: Uncertain significance for Hereditary cancer-predisposing syndrome. Last evaluated: 2025-09-29. Review status: criteria provided, single submitter. Criteria: Ambry Variant Classification Scheme 2023. Collection method: clinical testing. Allele origin: germline.
Comment: The c.4232_4234dupTCA variant (also known as p.I1411dup), located in coding exon 33 of the POLE gene, results from an in-frame duplication of TCA at nucleotide positions 4232 to 4234. This results in the duplication of an extra residue between codons 1411 and 1412. This amino acid position is well conserved in available vertebrate species. In addition, this variant is predicted to be deleterious by in silico analysis (Choi Y et al. PLoS ONE. 2012; 7(10):e46688). Based on the available evidence, the clinical significance of this variant remains unclear.